The following is an entry in ClinVar:

ClinVar aggregate classification (germline): Conflicting classifications of pathogenicity. Review status: criteria provided, conflicting classifications (1 of 4 stars). 2 submissions from 2 submitters: Uncertain significance (1); Likely benign (1). Last evaluated 2023-12-27.

Conditions:
Colorectal cancer, hereditary nonpolyposis, type 7. Identifiers: Orphanet 144, MedGen C1858380, MONDO:0013725, OMIM 614385.

Allele frequency attached by ClinVar (database versions not stated): TOPMed below 0.00001; gnomAD exomes 0.00001.
gnomAD v4.1: 12 of 1,614,118 alleles (0.00074%); highest among the groups gnomAD compares: African/African-American, 0.0013%; no homozygotes.

Submissions (2):

Ambry Genetics
Classification: Likely benign. Last evaluated: 2023-12-27. Review status: criteria provided, single submitter. Criteria: Ambry Variant Classification Scheme 2023. Collection method: clinical testing. Allele origin: germline.

Labcorp Genetics (formerly Invitae), Labcorp
Classification: Uncertain significance for Colorectal cancer, hereditary nonpolyposis, type 7. Last evaluated: 2023-06-27. Review status: criteria provided, single submitter. Criteria: Invitae Variant Classification Sherloc (09022015). Collection method: clinical testing. Allele origin: germline.
Comment: This sequence change replaces tyrosine, which is neutral and polar, with cysteine, which is neutral and slightly polar, at codon 443 of the MLH3 protein (p.Tyr443Cys). In summary, the available evidence is currently insufficient to determine the role of this variant in disease. Therefore, it has been classified as a Variant of Uncertain Significance. Algorithms developed to predict the effect of missense changes on protein structure and function output the following: SIFT: "Not Available"; PolyPhen-2: "Benign"; Align-GVGD: "Not Available". The cysteine amino acid residue is found in multiple mammalian species, which suggests that this missense change does not adversely affect protein function. This variant has not been reported in the literature in individuals affected with MLH3-related conditions. This variant is present in population databases (no rsID available, gnomAD 0.007%).

NM_001040108.2(MLH3):c.1328A>G (p.Tyr443Cys)

Gene: MLH3 (mutL homolog 3; minus strand). Cytogenetic location: 14q24.3.
Variant type: single nucleotide variant.
Coding change: c.1328A>G on transcript NM_001040108.2 (MANE Select); coding-DNA position 1328, A replaced by G.
Protein change: p.Tyr443Cys; replaces tyrosine 443 with cysteine.
Molecular consequence: missense variant.
Genome position (GRCh38, 1-based): chr14:75,048,328, T>C on the plus strand (A>G on the coding strand, the complement: MLH3 is on the minus strand). VCF-style: chr14-75048328-T-C. GRCh37 (hg19) VCF-style: chr14-75515031-T-C.
Other names: c.1328A>G, p.Tyr443Cys (NM_014381.3); short protein forms Y443C.
Identifiers: ClinVar variation 2561666 (VCV002561666.5), dbSNP rs1442447298, ClinGen allele CA390446420.